The following is an entry in ClinVar:

ClinVar aggregate classification (germline): Likely pathogenic (1 of 4 stars; one submission).

Conditions:
Inborn genetic diseases. Identifiers: MedGen C0950123, MeSH D030342.

Submission:

Ambry Genetics
Classification: Likely pathogenic for Inborn genetic diseases. Last evaluated: 2024-09-04. Review status: criteria provided, single submitter. Criteria: Ambry Variant Classification Scheme 2023. Collection method: clinical testing. Allele origin: germline.
Comment: The c.793C>A (p.H265N) alteration is located in exon 9 (coding exon 7) of the TBL1XR1 gene. This alteration results from a C to A substitution at nucleotide position 793, causing the histidine (H) at amino acid position 265 to be replaced by an asparagine (N). for TBL1XR1-related neurodevelopmental disorder; however, its clinical significance for Pierpont syndrome is uncertain. This variant was not reported in population-based cohorts in the Genome Aggregation Database (gnomAD). This amino acid position is highly conserved in available vertebrate species. This missense alteration is located in a region that has a low rate of benign missense variation (Lek, 2016; Firth, 2009). This alteration is predicted to be deleterious by in silico analysis. Based on the available evidence, this alteration is classified as likely pathogenic.

NM_024665.7(TBL1XR1):c.793C>A (p.His265Asn)

Genes: TBL1XR1 (TBL1X/Y related 1; minus strand), TBL1XR1-AS1 (TBL1XR1 antisense RNA 1; plus strand). Cytogenetic location: 3q26.32.
Variant type: single nucleotide variant.
Coding change: c.793C>A on transcript NM_024665.7 (MANE Select); coding-DNA position 793, C replaced by A.
Protein change: p.His265Asn; replaces histidine 265 with asparagine.
Molecular consequence: missense variant.
Genome position (GRCh38, 1-based): chr3:177,047,371, G>T on the plus strand (C>A on the coding strand, the complement: TBL1XR1 is on the minus strand). VCF-style: chr3-177047371-G-T. GRCh37 (hg19) VCF-style: chr3-176765159-G-T.
Other names: c.793C>A, p.His265Asn (NM_001321193.3, NM_001321194.3, NM_001374327.1 and 2 more transcripts); c.532C>A, p.His178Asn (NM_001321195.3, NM_001374330.1); short protein forms H178N, H265N.
Identifiers: ClinVar variation 3453736 (VCV003453736.1).
Genomic context (GRCh38, chr3:177,047,371, plus strand): 5'-CAGCACTTAGGATGAAATTTCCTTTCTTATTCCATTTTAATGCAAATATAGGGCCTTTAT[G>T]CTGCCCTAAGGTGCTAGCAAGGTTACCTAAAATGCAAAAGAAAAACATTAACATTATTTT-3'
Protein context (NP_078941.2, residues 255-275): DGNLASTLGQ[His265Asn]KGPIFALKWN